The following is an entry in ClinVar:

NM_018127.7(ELAC2):c.2233G>A (p.Val745Ile)

Gene: ELAC2 (elaC ribonuclease Z 2; minus strand). Cytogenetic location: 17p12.
Variant type: single nucleotide variant.
Coding change: c.2233G>A on transcript NM_018127.7 (MANE Select); coding-DNA position 2233, G replaced by A.
Protein change: p.Val745Ile; replaces valine 745 with isoleucine.
Molecular consequence: missense variant.
Genome position (GRCh38, 1-based): chr17:12,993,707, C>T on the plus strand (G>A on the coding strand, the complement: ELAC2 is on the minus strand). VCF-style: chr17-12993707-C-T. GRCh37 (hg19) VCF-style: chr17-12897024-C-T.
Other names: c.2113G>A, p.Val705Ile (NM_001165962.2); c.2230G>A, p.Val744Ile (NM_173717.2); short protein forms V705I, V744I, V745I.
Identifiers: ClinVar variation 2194093 (VCV002194093.3), dbSNP rs2508211410, ClinGen allele CA398222516.

ClinVar aggregate classification (germline): Uncertain significance (1 of 4 stars; one submission).

Conditions:
Combined oxidative phosphorylation defect type 17. Also called: Combined oxidative phosphorylation deficiency 17. Identifiers: Orphanet 369913, MedGen C3809526, MONDO:0014190, OMIM 615440.

Allele frequency attached by ClinVar (database versions not stated): gnomAD exomes below 0.00001.
gnomAD v4.1: 2 of 1,614,214 alleles (0.00012%); highest among the groups gnomAD compares: Admixed American, 0.0017%; no homozygotes.

Submission:

Labcorp Genetics (formerly Invitae), Labcorp
Classification: Uncertain significance for Combined oxidative phosphorylation defect type 17. Last evaluated: 2022-08-09. Review status: criteria provided, single submitter. Criteria: Invitae Variant Classification Sherloc (09022015). Collection method: clinical testing. Allele origin: germline.
Comment: This variant is not present in population databases (gnomAD no frequency). This sequence change replaces valine, which is neutral and non-polar, with isoleucine, which is neutral and non-polar, at codon 745 of the ELAC2 protein (p.Val745Ile). This variant has not been reported in the literature in individuals affected with ELAC2-related conditions. In summary, the available evidence is currently insufficient to determine the role of this variant in disease. Therefore, it has been classified as a Variant of Uncertain Significance. Algorithms developed to predict the effect of missense changes on protein structure and function output the following: SIFT: "Tolerated"; PolyPhen-2: "Benign"; Align-GVGD: "Class C0". The isoleucine amino acid residue is found in multiple mammalian species, which suggests that this missense change does not adversely affect protein function.